The following is an entry in ClinVar:

ClinVar aggregate classification (germline): Uncertain significance. Review status: criteria provided, multiple submitters, no conflicts (2 of 4 stars). 2 submissions from 2 submitters: Uncertain significance (2). Last evaluated 2024-10-07.

Allele frequency attached by ClinVar (database versions not stated): TOPMed below 0.00001; gnomAD 0.00001.
gnomAD v4.1: 5 of 1,345,374 alleles (0.00037%); highest among the groups gnomAD compares: Middle Eastern, 0.026%; no homozygotes.

Submissions (2):

Blueprint Genetics
Classification: Uncertain significance. Last evaluated: 2024-10-07. Review status: criteria provided, single submitter. Criteria: ACMG Guidelines, 2015. Collection method: clinical testing. Allele origin: germline.

Labcorp Genetics (formerly Invitae), Labcorp
Classification: Uncertain significance. Last evaluated: 2022-10-18. Review status: criteria provided, single submitter. Criteria: Invitae Variant Classification Sherloc (09022015). Collection method: clinical testing. Allele origin: germline.
Comment: In summary, the available evidence is currently insufficient to determine the role of this variant in disease. Therefore, it has been classified as a Variant of Uncertain Significance. Algorithms developed to predict the effect of missense changes on protein structure and function are either unavailable or do not agree on the potential impact of this missense change (SIFT: "Deleterious"; PolyPhen-2: "Possibly Damaging"; Align-GVGD: "Class C0"). This variant has not been reported in the literature in individuals affected with NDUFAF6-related conditions. This variant is present in population databases (no rsID available, gnomAD 0.004%). This sequence change replaces serine, which is neutral and polar, with tyrosine, which is neutral and polar, at codon 4 of the NDUFAF6 protein (p.Ser4Tyr).

NM_152416.4(NDUFAF6):c.11C>A (p.Ser4Tyr)

Genes: NDUFAF6 (NADH:ubiquinone oxidoreductase complex assembly factor 6; plus strand), LOC113788297 (Sharpr-MPRA regulatory region 2014; plus strand). Cytogenetic location: 8q22.1.
Variant type: single nucleotide variant.
Coding change: c.11C>A on transcript NM_152416.4 (MANE Select); coding-DNA position 11, C replaced by A.
Protein change: p.Ser4Tyr; replaces serine 4 with tyrosine.
Molecular consequence: missense variant. On other transcripts: 5 prime UTR variant (12), non-coding transcript variant (6), intron variant (7).
Genome position (GRCh38, 1-based): chr8:95,025,019, C>A. VCF-style: chr8-95025019-C-A. GRCh37 (hg19) VCF-style: chr8-96037247-C-A.
Other names: c.-270C>A (NM_001330582.2, NM_001354521.2); c.-223C>A (NM_001354517.2); c.-442C>A (NM_001354518.2); c.-438C>A (NM_001354519.2); c.-787C>A (NM_001354527.2); c.-758C>A (NM_001354528.2); c.-570C>A (NM_001354529.2); c.-672C>A (NM_001354530.2); and 8 more; short protein forms S4Y.
Identifiers: ClinVar variation 1897384 (VCV001897384.6), dbSNP rs1399757331, ClinGen allele CA371742137.